The following is an entry in ClinVar:

NM_170784.3(MKKS):c.912T>G (p.Phe304Leu)

Gene: MKKS (MKKS centrosomal shuttling protein; minus strand). Cytogenetic location: 20p12.2.
Variant type: single nucleotide variant.
Coding change: c.912T>G on transcript NM_170784.3 (MANE Select); coding-DNA position 912, T replaced by G.
Protein change: p.Phe304Leu; replaces phenylalanine 304 with leucine.
Molecular consequence: missense variant.
Genome position (GRCh38, 1-based): chr20:10,412,603, A>C on the plus strand (T>G on the coding strand, the complement: MKKS is on the minus strand). VCF-style: chr20-10412603-A-C. GRCh37 (hg19) VCF-style: chr20-10393251-A-C.
Other names: c.912T>G, p.Phe304Leu (NM_018848.3); short protein forms F304L.
Identifiers: ClinVar variation 4999346 (VCV004999346.1).

ClinVar aggregate classification (germline): Uncertain significance (1 of 4 stars; one submission).

Conditions:
MKKS-related disorder. Also called: MKKS-related disorders; MKKS-related condition.

Submission:

PreventionGenetics, part of Exact Sciences
Classification: Uncertain significance for MKKS-related condition. Last evaluated: 2025-03-06. Review status: criteria provided, single submitter. Criteria: ACMG Guidelines, 2015. Collection method: clinical testing. Allele origin: germline.
Comment: The MKKS c.912T>G variant is predicted to result in the amino acid substitution p.Phe304Leu. To our knowledge, this variant has not been reported in the literature or in a large population database (gnomAD), indicating this variant is rare. At this time, the clinical significance of this variant is uncertain due to the absence of conclusive functional and genetic evidence.